The following is an entry in ClinVar:

ClinVar aggregate classification (germline): Conflicting classifications of pathogenicity. Review status: criteria provided, conflicting classifications (1 of 4 stars). 3 submissions from 3 submitters: Likely pathogenic (1); Uncertain significance (1). 1 of the submissions does not count toward it. Last evaluated 2026-01-05.

Conditions:
Charcot-Marie-Tooth Neuropathy X. Identifiers: MedGen CN118851.
Charcot-Marie-Tooth disease. Also called: Charcot-Marie-Tooth Hereditary Neuropathy; Charcot-Marie-Tooth Neuropathy. Identifiers: Orphanet 166, MedGen C0007959, MONDO:0015626.

Submissions (3):

Labcorp Genetics (formerly Invitae), Labcorp
Classification: Likely pathogenic for Charcot-Marie-Tooth Neuropathy X. Last evaluated: 2026-01-05. Review status: criteria provided, single submitter. Criteria: Invitae Variant Classification Sherloc (09022015). Collection method: clinical testing. Allele origin: germline.
Comment: This sequence change replaces alanine, which is neutral and non-polar, with threonine, which is neutral and polar, at codon 40 of the GJB1 protein (p.Ala40Thr). This variant is not present in population databases (gnomAD no frequency). This missense change has been observed in individuals with GJB1-related conditions (PMID: 12536289; internal data). It has also been observed to segregate with disease in related individuals. ClinVar contains an entry for this variant (Variation ID: 637198). Invitae Evidence Modeling of protein sequence and biophysical properties (such as structural, functional, and spatial information, amino acid conservation, physicochemical variation, residue mobility, and thermodynamic stability) has been performed for this missense variant. However, the output from this modeling did not meet the statistical confidence thresholds required to predict the impact of this variant on GJB1 protein function. This variant disrupts the p.Ala40 amino acid residue in GJB1. Other variant(s) that disrupt this residue have been determined to be pathogenic (PMID: 8800924, 12460545, 28768847). This suggests that this residue is clinically significant, and that variants that disrupt this residue are likely to be disease-causing. In summary, the currently available evidence indicates that the variant is pathogenic, but additional data are needed to prove that conclusively. Therefore, this variant has been classified as Likely Pathogenic.

Athena Diagnostics
Classification: Uncertain significance. Last evaluated: 2021-05-03. Review status: criteria provided, single submitter. Criteria: Athena Diagnostics criteria. Collection method: clinical testing. Allele origin: unknown.

Inherited Neuropathy Consortium
Classification: Uncertain significance for Charcot-Marie-Tooth disease. Review status: no assertion criteria provided. Collection method: literature only. Allele origin: germline. Affected: yes. Not counted in ClinVar's aggregate classification.

Literature cited by the submitters: PubMed 12536289 (cited by 3 submitters); PubMed 8800924 (cited by Labcorp Genetics (formerly Invitae), Labcorp); PubMed 12460545 (cited by Labcorp Genetics (formerly Invitae), Labcorp); PubMed 28768847 (cited by Labcorp Genetics (formerly Invitae), Labcorp); PubMed 22464564 (cited by Athena Diagnostics).

NM_000166.6(GJB1):c.118G>A (p.Ala40Thr)

Gene: GJB1 (gap junction protein beta 1; plus strand). Cytogenetic location: Xq13.1.
Variant type: single nucleotide variant.
Coding change: c.118G>A on transcript NM_000166.6 (MANE Select); coding-DNA position 118, G replaced by A.
Protein change: p.Ala40Thr; replaces alanine 40 with threonine.
Molecular consequence: missense variant.
Genome position (GRCh38, 1-based): chrX:71,223,825, G>A. VCF-style: chrX-71223825-G-A. GRCh37 (hg19) VCF-style: chrX-70443675-G-A.
Other names: c.118G>A, p.Ala40Thr (NM_001097642.3); short protein forms A40T.
Identifiers: ClinVar variation 637198 (VCV000637198.11), dbSNP rs1602348782, ClinGen allele CA413500989.
Genomic context (GRCh38, chrX:71,223,825, plus strand): 5'-ATTGGCCGAGTATGGCTCTCGGTCATCTTCATCTTCAGAATCATGGTGCTGGTGGTGGCT[G>A]CAGAGAGTGTGTGGGGTGATGAGAAATCTTCCTTCATCTGCAACACACTCCAGCCTGGCT-3'
Protein context (NP_000157.1, residues 30-50): IFRIMVLVVA[Ala40Thr]ESVWGDEKSS